The following is an entry in ClinVar:

ClinVar aggregate classification (germline): Uncertain significance. Review status: criteria provided, multiple submitters, no conflicts (2 of 4 stars). 2 submissions from 2 submitters: Uncertain significance (2). Last evaluated 2020-11-13.

Conditions:
Hereditary cancer-predisposing syndrome. Also called: Tumor predisposition; Hereditary Cancer Syndrome; Hereditary neoplastic syndrome; Neoplastic Syndromes, Hereditary. Identifiers: Orphanet 140162, MedGen C0027672, MeSH D009386, MONDO:0015356.

Submissions (2):

Labcorp Genetics (formerly Invitae), Labcorp
Classification: Uncertain significance for Hereditary cancer-predisposing syndrome. Last evaluated: 2020-11-13. Review status: criteria provided, single submitter. Criteria: Invitae Variant Classification Sherloc (09022015). Collection method: clinical testing. Allele origin: germline.
Comment: Experimental studies and prediction algorithms are not available or were not evaluated, and the functional significance of this variant is currently unknown. In summary, the available evidence is currently insufficient to determine the role of this variant in disease. Therefore, it has been classified as a Variant of Uncertain Significance. This variant has not been reported in the literature in individuals with RAD50-related conditions. This variant is not present in population databases (ExAC no frequency). This variant, c.2499_2501del, results in the deletion of 1 amino acid(s) of the RAD50 protein (p.Glu834del), but otherwise preserves the integrity of the reading frame.

Ambry Genetics
Classification: Uncertain significance for Hereditary cancer-predisposing syndrome. Last evaluated: 2020-07-08. Review status: criteria provided, single submitter. Criteria: Ambry Variant Classification Scheme 2023. Collection method: clinical testing. Allele origin: germline.
Comment: The c.2499_2501delAGA variant (also known as p.E834del) is located in coding exon 15 of the RAD50 gene. This variant results from an in-frame AGA deletion at nucleotide positions 2499 to 2501. This results in the in-frame deletion of a glutamic acid at codon 834. This amino acid position is well conserved in available vertebrate species. Since supporting evidence is limited at this time, the clinical significance of this alteration remains unclear.

NM_005732.4(RAD50):c.2499_2501del (p.Glu834del)

Gene: RAD50 (RAD50 double strand break repair protein; plus strand). Cytogenetic location: 5q31.1.
Variant type: Deletion.
Coding change: c.2499_2501del on transcript NM_005732.4 (MANE Select); coding-DNA positions 2499 to 2501, 3 bases deleted (AGA; older notation c.2499_2501delAGA).
Protein change: p.Glu834del; deletes glutamic acid 834.
Molecular consequence: inframe deletion.
Genome position (GRCh38, 1-based): chr5:132,604,021-132,604,023, AGA deleted; deleting any 3 consecutive bases within chr5:132,604,020-132,604,023 gives the same sequence; the c. name uses the placement nearest the transcript's 3' end. VCF-style (leftmost placement, unchanged base first): chr5-132604019-CAAG-C. GRCh37 (hg19) VCF-style: chr5-131939711-CAAG-C.
Other names: short protein forms E834del.
Identifiers: ClinVar variation 1443616 (VCV001443616.10), dbSNP rs1750935936, ClinGen allele CA1583245899.